The following is an entry in ClinVar:

ClinVar aggregate classification (germline): Uncertain significance. Review status: criteria provided, multiple submitters, no conflicts (2 of 4 stars). 2 submissions from 2 submitters: Uncertain significance (2). Last evaluated 2025-05-05.

Conditions:
Hereditary cancer-predisposing syndrome. Also called: Tumor predisposition; Neoplastic Syndromes, Hereditary; Hereditary Cancer Syndrome; Hereditary neoplastic syndrome. Identifiers: Orphanet 140162, MedGen C0027672, MeSH D009386, MONDO:0015356.
Gastrointestinal stromal tumor. Also called: Gastrointestinal stromal tumor, somatic; Gastrointestinal stroma tumor. Identifiers: Orphanet 44890, MedGen C0238198, MeSH D046152, MONDO:0011719, OMIM 606764, HP:0100723.

Allele frequency attached by ClinVar (database versions not stated): TOPMed below 0.00001.

Submissions (2):

Labcorp Genetics (formerly Invitae), Labcorp
Classification: Uncertain significance for Gastrointestinal stromal tumor. Last evaluated: 2025-05-05. Review status: criteria provided, single submitter. Criteria: Invitae Variant Classification Sherloc (09022015). Collection method: clinical testing. Allele origin: germline.
Comment: This sequence change replaces asparagine, which is neutral and polar, with aspartic acid, which is acidic and polar, at codon 680 of the KIT protein (p.Asn680Asp). This variant is not present in population databases (gnomAD no frequency). This variant has not been reported in the literature in individuals affected with KIT-related conditions. ClinVar contains an entry for this variant (Variation ID: 1525558). An algorithm developed to predict the effect of missense changes on protein structure and function (PolyPhen-2) suggests that this variant is likely to be disruptive. In summary, the available evidence is currently insufficient to determine the role of this variant in disease. Therefore, it has been classified as a Variant of Uncertain Significance.

Ambry Genetics
Classification: Uncertain significance for Hereditary cancer-predisposing syndrome. Last evaluated: 2021-10-31. Review status: criteria provided, single submitter. Criteria: Ambry Variant Classification Scheme 2023. Collection method: clinical testing. Allele origin: germline.
Comment: The p.N680D variant (also known as c.2038A>G), located in coding exon 14 of the KIT gene, results from an A to G substitution at nucleotide position 2038. The asparagine at codon 680 is replaced by aspartic acid, an amino acid with highly similar properties. This amino acid position is conserved. In addition, the in silico prediction for this alteration is inconclusive. Since supporting evidence is limited at this time, the clinical significance of this alteration remains unclear.

NM_000222.3(KIT):c.2038A>G (p.Asn680Asp)

Gene: KIT (KIT proto-oncogene, receptor tyrosine kinase; plus strand). Cytogenetic location: 4q12.
Variant type: single nucleotide variant.
Coding change: c.2038A>G on transcript NM_000222.3 (MANE Select); coding-DNA position 2038, A replaced by G.
Protein change: p.Asn680Asp; replaces asparagine 680 with aspartic acid.
Molecular consequence: missense variant.
Genome position (GRCh38, 1-based): chr4:54,729,382, A>G. VCF-style: chr4-54729382-A-G. GRCh37 (hg19) VCF-style: chr4-55595548-A-G.
Other names: c.2026A>G, p.Asn676Asp (NM_001093772.2, NM_001385286.1); c.2041A>G, p.Asn681Asp (NM_001385284.1, NM_001385290.1); c.2038A>G, p.Asn680Asp (NM_001385285.1); c.2029A>G, p.Asn677Asp (NM_001385288.1, NM_001385292.1); short protein forms N681D, N677D, N680D, N676D.
Identifiers: ClinVar variation 1525558 (VCV001525558.10), dbSNP rs1722438764, ClinGen allele CA356909408.